The following is an entry in ClinVar:

ClinVar aggregate classification (germline): Benign (1 of 4 stars; one submission).

Allele frequency attached by ClinVar (database versions not stated): gnomAD exomes 0.00301; gnomAD 0.01679 and 0.01818; 1000 Genomes Project 0.01817; 1000 Genomes Project 30x 0.01999; TOPMed 0.02040.
gnomAD v4.1: 3,871 of 565,376 alleles (0.68%); highest among the groups gnomAD compares: African/African-American, 5.4%; 91 homozygotes.

Submission:

GeneDx
Classification: Benign. Last evaluated: 2018-06-19. Review status: criteria provided, single submitter. Criteria: GeneDx Variant Classification (06012015). Collection method: clinical testing. Allele origin: germline. Affected: yes.
Comment: This variant is considered likely benign or benign based on one or more of the following criteria: it is a conservative change, it occurs at a poorly conserved position in the protein, it is predicted to be benign by multiple in silico algorithms, and/or has population frequency not consistent with disease.

NM_020774.4(MIB1):c.1678-138G>A

Gene: MIB1 (MIB E3 ubiquitin protein ligase 1; plus strand). Cytogenetic location: 18q11.2.
Variant type: single nucleotide variant.
Coding change: c.1678-138G>A on transcript NM_020774.4 (MANE Select); 138 bases into the intron before coding-DNA position 1678, G replaced by A.
Molecular consequence: intron variant.
Genome position (GRCh38, 1-based): chr18:21,819,357, G>A. VCF-style: chr18-21819357-G-A. GRCh37 (hg19) VCF-style: chr18-19399318-G-A.
Identifiers: ClinVar variation 678693 (VCV000678693.1), dbSNP rs28729513, ClinGen allele CA14612250.